The following is an entry in ClinVar:

ClinVar aggregate classification (germline): Uncertain significance (1 of 4 stars; one submission).

Allele frequency attached by ClinVar (database versions not stated): gnomAD exomes below 0.00001; TOPMed below 0.00001; ExAC 0.00001.

Submission:

GeneDx
Classification: Uncertain significance. Last evaluated: 2019-04-10. Review status: criteria provided, single submitter. Criteria: GeneDx Variant Classification Process June 2021. Collection method: clinical testing. Allele origin: germline. Affected: yes.
Comment: Not observed at a significant frequency in large population cohorts (Lek et al., 2016); In silico analysis, which includes protein predictors and evolutionary conservation, supports a deleterious effect; Has not been previously published as pathogenic or benign to our knowledge

NM_152906.7(TANGO2):c.487C>T (p.Pro163Ser)

Gene: TANGO2 (transport and golgi organization 2 homolog; plus strand). Cytogenetic location: 22q11.21.
Variant type: single nucleotide variant.
Coding change: c.487C>T on transcript NM_152906.7 (MANE Select); coding-DNA position 487, C replaced by T.
Protein change: p.Pro163Ser; replaces proline 163 with serine.
Molecular consequence: missense variant. On other transcripts: non-coding transcript variant (3), intron variant (4).
Genome position (GRCh38, 1-based): chr22:20,061,565, C>T. VCF-style: chr22-20061565-C-T. GRCh37 (hg19) VCF-style: chr22-20049088-C-T.
Other names: c.487C>T, p.Pro163Ser (NM_001283106.3, NM_001283116.3, NM_001283148.3 and 2 more transcripts); c.610C>T, p.Pro204Ser (NM_001283129.3, NM_001322141.2, NM_001322143.2 and 1 more transcripts); c.301C>T, p.Pro101Ser (NM_001283179.3, NM_001283186.3, NM_001322163.2 and 3 more transcripts); c.193C>T, p.Pro65Ser (NM_001283235.3, NM_001322150.2, NM_001322153.2 and 6 more transcripts); c.424C>T, p.Pro142Ser (NM_001322145.2, NM_001322147.2); c.385C>T, p.Pro129Ser (NM_001322146.2, NM_001322148.2, NM_001322160.2); c.381-1773C>T (NM_001283199.3); c.575-2977C>T (NM_001283215.3); and 2 more; short protein forms P101S, P129S, P142S, P163S, P204S, P65S.
Identifiers: ClinVar variation 1308566 (VCV001308566.2), dbSNP rs756522169, ClinGen allele CA10106469.